The following is an entry in ClinVar:

ClinVar aggregate classification (germline): Uncertain significance. Review status: reviewed by expert panel (3 of 4 stars). 3 submissions from 3 submitters: Uncertain significance (1). 2 of the submissions do not count toward it. Last evaluated 2024-03-11.

Conditions:
Mitochondrial disease. Also called: Mitochondrial disorder; Mitochondrial disorders. Identifiers: Orphanet 68380, MedGen C0751651, MeSH D028361, MONDO:0044970.

Submissions (3):

ClinGen Mitochondrial Disease Nuclear and Mitochondrial  Variant Curation Expert Panel, ClinGen
Classification: Uncertain significance for Mitochondrial disease. Last evaluated: 2024-03-11. Review status: reviewed by expert panel. Criteria: clingen mito disease acmg specifications v1-1. Collection method: curation. Allele origin: germline. Inheritance: Mitochondrial inheritance.
Comment: The m.12271T>C variant in MT-TL2 was reviewed by the Mitochondrial Disease Nuclear and Mitochondrial Variant Curation Expert Panel on March 11, 2024. There have been no affected individuals reported in the medical literature to our knowledge and there are no large families reported in the medical literature to consider for evidence of segregation. This variant is absent in the GenBank dataset, Helix dataset, and gnomAD v3.1.2 (PM2_supporting). Computational predictors are conflicting (MitoTIP: 67.9%; HmtVAR: 0.1). There are no cybrids, single fiber studies, or other functional assays reported on this variant. In summary, this variant meets criteria to be classified as uncertain significance for primary mitochondrial disease inherited in a mitochondrial manner. This classification was approved by the NICHD/NINDS U24 ClinGen Mitochondrial Disease Variant Curation Expert Panel on March 11, 2024. Mitochondrial DNA-specific ACMG/AMP criteria applied (PMID: 32906214): PM2_supporting.

Mendelics
Classification: Pathogenic for Mitochondrial disease. Last evaluated: 2022-05-04. Review status: criteria provided, single submitter. Criteria: Mendelics Assertion Criteria 2019. Collection method: clinical testing. Allele origin: germline. Not counted in ClinVar's aggregate classification.

Mitochondrial Research Group, Newcastle University
Classification: Pathogenic for Mitochondrial disease. Last evaluated: 2017-05-22. Review status: no assertion criteria provided. Collection method: clinical testing. Allele origin: germline. Affected: yes. Observed: 1 variant allele. Not counted in ClinVar's aggregate classification.

NC_012920.1(MT-TL2):m.12271T>C

Gene: MT-TL2 (mitochondrially encoded tRNA leucine 2 (CUN); plus strand).
Variant type: single nucleotide variant.
Genome position: chrM-12271-T-C.
Identifiers: ClinVar variation 430687 (VCV000430687.4), dbSNP rs1131692061, ClinGen allele CA645373343.